The following is an entry in ClinVar:

ClinVar aggregate classification (germline): Uncertain significance (1 of 4 stars; one submission).

Submission:

GeneDx
Classification: Uncertain significance. Last evaluated: 2024-07-07. Review status: criteria provided, single submitter. Criteria: GeneDx Variant Classification Process June 2021. Collection method: clinical testing. Allele origin: germline. Affected: yes.
Comment: Not observed at significant frequency in large population cohorts (gnomAD); In silico analysis indicates that this missense variant does not alter protein structure/function; Has not been previously published as pathogenic or benign to our knowledge

NM_001330360.2(POLA1):c.1965G>C (p.Gln655His)

Gene: POLA1 (DNA polymerase alpha 1, catalytic subunit; plus strand). Cytogenetic location: Xp22.11.
Variant type: single nucleotide variant.
Coding change: c.1965G>C on transcript NM_001330360.2 (MANE Select); coding-DNA position 1965, G replaced by C.
Protein change: p.Gln655His; replaces glutamine 655 with histidine.
Molecular consequence: missense variant. On other transcripts: non-coding transcript variant (1).
Genome position (GRCh38, 1-based): chrX:24,737,666, G>C. VCF-style: chrX-24737666-G-C. GRCh37 (hg19) VCF-style: chrX-24755783-G-C.
Other names: c.1890G>C, p.Gln630His (NM_001378303.1); c.1947G>C, p.Gln649His (NM_016937.4); short protein forms Q649H, Q655H, Q630H.
Identifiers: ClinVar variation 3572661 (VCV003572661.1).
Genomic context (GRCh38, chrX:24,737,666, plus strand): 5'-GCCTTCTTTTTCTGACTAGGGTCATAATATTTATGGGTTTGAACTGGAAGTACTACTGCA[G>C]AGAATTAATGTGTGCAAAGCTCCTCACTGGTCCAAGATAGGTCGACTGAAGCGATCCAAC-3'
Protein context (NP_001317289.1, residues 645-665): IYGFELEVLL[Gln655His]RINVCKAPHW